The following is an entry in ClinVar:

ClinVar aggregate classification (germline): Likely benign. Review status: criteria provided, single submitter (1 of 4 stars). 2 submissions from 2 submitters: Likely benign (1). 1 of the submissions does not count toward it. Last evaluated 2018-04-04.

Conditions:
TEX14-related disorder. Also called: TEX14-related condition.

Allele frequency attached by ClinVar (database versions not stated): ExAC 0.00033; gnomAD 0.00035 and 0.00038; gnomAD exomes 0.00039 and 0.00070; TOPMed 0.00043; ESP Exome Variant Server 0.00077.
gnomAD v4.1: 1,061 of 1,610,648 alleles (0.066%); highest among the groups gnomAD compares: Non-Finnish European, 0.085%; 1 homozygote.

Submissions (2):

Labcorp Genetics (formerly Invitae), Labcorp
Classification: Likely benign. Last evaluated: 2018-04-04. Review status: criteria provided, single submitter. Criteria: Invitae Variant Classification Sherloc (09022015). Collection method: clinical testing. Allele origin: germline.

PreventionGenetics, part of Exact Sciences
Classification: Likely benign for TEX14-related condition. Last evaluated: 2024-09-03. Review status: no assertion criteria provided. Collection method: clinical testing. Allele origin: germline. Not counted in ClinVar's aggregate classification.
Comment: This variant is classified as likely benign based on ACMG/AMP sequence variant interpretation guidelines (Richards et al. 2015 PMID: 25741868, with internal and published modifications).

NM_031272.5(TEX14):c.2448C>T (p.Thr816=)

Gene: TEX14 (testis expressed 14, intercellular bridge forming factor; minus strand). Cytogenetic location: 17q22.
Variant type: single nucleotide variant.
Coding change: c.2448C>T on transcript NM_031272.5 (MANE Select); coding-DNA position 2448, C replaced by T.
Protein change: p.Thr816=; no amino-acid change (threonine 816 retained).
Molecular consequence: synonymous variant.
Genome position (GRCh38, 1-based): chr17:58,598,897, G>A on the plus strand (C>T on the coding strand, the complement: TEX14 is on the minus strand). VCF-style: chr17-58598897-G-A. GRCh37 (hg19) VCF-style: chr17-56676258-G-A.
Other names: c.2466C>T, p.Thr822= (NM_001201457.2); c.2448C>T, p.Thr816= (NM_198393.4).
Identifiers: ClinVar variation 728624 (VCV000728624.4), dbSNP rs148685536, ClinGen allele CA8676154.